The following is an entry in ClinVar:

NM_199420.4(POLQ):c.3659G>C (p.Cys1220Ser)

Gene: POLQ (DNA polymerase theta; minus strand). Cytogenetic location: 3q13.33.
Variant type: single nucleotide variant.
Coding change: c.3659G>C on transcript NM_199420.4 (MANE Select); coding-DNA position 3659, G replaced by C.
Protein change: p.Cys1220Ser; replaces cysteine 1220 with serine.
Molecular consequence: missense variant.
Genome position (GRCh38, 1-based): chr3:121,489,272, C>G on the plus strand (G>C on the coding strand, the complement: POLQ is on the minus strand). VCF-style: chr3-121489272-C-G. GRCh37 (hg19) VCF-style: chr3-121208119-C-G.
Other names: short protein forms C1220S.
Identifiers: ClinVar variation 3422581 (VCV003422581.1).

ClinVar aggregate classification (germline): Uncertain significance (1 of 4 stars; one submission).

gnomAD v4.1: 1 of 1,613,714 alleles (0.000062%); highest among the groups gnomAD compares: South Asian, 0.0011%; no homozygotes.

Submission:

Ambry Genetics
Classification: Uncertain significance. Last evaluated: 2024-09-30. Review status: criteria provided, single submitter. Criteria: Ambry Variant Classification Scheme 2023. Collection method: clinical testing. Allele origin: germline.
Comment: The p.C1220S variant (also known as c.3659G>C), located in coding exon 16 of the POLQ gene, results from a G to C substitution at nucleotide position 3659. The cysteine at codon 1220 is replaced by serine, an amino acid with dissimilar properties. This amino acid position is conserved. In addition, this alteration is predicted to be tolerated by in silico analysis. Based on the available evidence, the clinical significance of this variant remains unclear.